The following is an entry in ClinVar:

ClinVar aggregate classification (germline): Likely benign. Review status: criteria provided, multiple submitters, no conflicts (2 of 4 stars). 2 submissions from 2 submitters: Likely benign (2). Last evaluated 2025-06-10.

Conditions:
Hyper-IgE recurrent infection syndrome 1, autosomal dominant. Also called: JOB SYNDROME; Job's Syndrome; STAT3 Hyper IgE Syndrome; Hyper-IgE recurrent infection syndrome 1; HYPER-IgE SYNDROME 1, AUTOSOMAL DOMINANT, WITH RECURRENT INFECTIONS. Identifiers: Orphanet 2314, MedGen C2936739, MONDO:0007818, OMIM 147060.
STAT3 gain of function. Identifiers: MedGen C4288261.

gnomAD v4.1: 1 of 1,608,076 alleles (0.000062%); highest among the groups gnomAD compares: Non-Finnish European, 0.000085%; no homozygotes.

Submissions (2):

Labcorp Genetics (formerly Invitae), Labcorp
Classification: Likely benign for STAT3 gain of function; Hyper-IgE recurrent infection syndrome 1, autosomal dominant. Last evaluated: 2025-06-10. Review status: criteria provided, single submitter. Criteria: Invitae Variant Classification Sherloc (09022015). Collection method: clinical testing. Allele origin: germline.

CeGaT Center for Human Genetics Tuebingen
Classification: Likely benign. Last evaluated: 2024-10-01. Review status: criteria provided, single submitter. Criteria: CeGaT Center For Human Genetics Tuebingen Variant Classification Criteria Version 2. Collection method: clinical testing. Allele origin: germline. Affected: yes. Observed: 1 variant allele.
Comment: STAT3: BP4, BP7

NM_139276.3(STAT3):c.306C>T (p.Ala102=)

Gene: STAT3 (signal transducer and activator of transcription 3; minus strand). Cytogenetic location: 17q21.2.
Variant type: single nucleotide variant.
Coding change: c.306C>T on transcript NM_139276.3 (MANE Select); coding-DNA position 306, C replaced by T.
Protein change: p.Ala102=; no amino-acid change (alanine 102 retained).
Molecular consequence: synonymous variant. On other transcripts: intron variant (1).
Genome position (GRCh38, 1-based): chr17:42,345,625, G>A on the plus strand (C>T on the coding strand, the complement: STAT3 is on the minus strand). VCF-style: chr17-42345625-G-A. GRCh37 (hg19) VCF-style: chr17-40497643-G-A.
Other names: c.306C>T, p.Ala102= (NM_001369518.1, NM_001369519.1, NM_001369520.1 and 16 more transcripts); c.274-46C>T (NM_001384985.1).
Identifiers: ClinVar variation 3389841 (VCV003389841.15).